The following is an entry in ClinVar:

ClinVar aggregate classification (germline): Pathogenic (1 of 4 stars; one submission).

Conditions:
Spastic paraplegia. Identifiers: MedGen C0037772, HP:0001258.

Submission:

Labcorp Genetics (formerly Invitae), Labcorp
Classification: Pathogenic for Spastic paraplegia. Last evaluated: 2020-10-01. Review status: criteria provided, single submitter. Criteria: Invitae Variant Classification Sherloc (09022015). Collection method: clinical testing. Allele origin: germline.
Comment: For these reasons, this variant has been classified as Pathogenic. This sequence change results in a premature translational stop signal in the SACS gene (p.Thr1933Asnfs*13). While this is not anticipated to result in nonsense mediated decay, it is expected to disrupt the last 2647 amino acid(s) of the SACS protein. This variant is not present in population databases (ExAC no frequency). This variant has not been reported in the literature in individuals with SACS-related conditions. This variant disrupts the C-terminus of the SACS protein. Other variant(s) that disrupt this region (p.Tyr4538*) have been determined to be pathogenic (Invitae). This suggests that variants that disrupt this region of the protein are likely to be causative of disease.

NM_014363.6(SACS):c.5796_5809del (p.Thr1933fs)

Gene: SACS (sacsin molecular chaperone; minus strand). Cytogenetic location: 13q12.12.
Variant type: Deletion.
Coding change: c.5796_5809del on transcript NM_014363.6 (MANE Select); coding-DNA positions 5796 to 5809, 14 bases deleted (CACTAGTGGGGAGC).
Protein change: p.Thr1933fs; shifts the reading frame from threonine 1933.
Molecular consequence: frameshift variant.
Genome position (GRCh38, 1-based): chr13:23,338,067-23,338,080, GCTCCCCACTAGTG deleted on the plus strand (CACTAGTGGGGAGC on the coding strand, the reverse complement: SACS is on the minus strand); deleting any 14 consecutive bases within chr13:23,338,067-23,338,082 gives the same sequence; the c. name uses the placement nearest the transcript's 3' end. VCF-style (leftmost placement, unchanged base first): chr13-23338066-AGCTCCCCACTAGTG-A. GRCh37 (hg19) VCF-style: chr13-23912205-AGCTCCCCACTAGTG-A.
Other names: c.5355_5368del, p.Thr1786fs (NM_001278055.2); short protein forms T1786fs, T1933fs.
Identifiers: ClinVar variation 1072798 (VCV001072798.9), dbSNP rs2137615608, ClinGen allele CA2499221980.